The following is an entry in ClinVar:

NM_001267550.2(TTN):c.6825del (p.Asp2275fs)

Genes: TTN (titin; minus strand), LOC126806433 (BRD4-independent group 4 enhancer GRCh37_chr2:179638309-179639508; plus strand). Cytogenetic location: 2q31.2.
Variant type: Deletion.
Coding change: c.6825del on transcript NM_001267550.2 (MANE Select); coding-DNA position 6825, one base deleted (C; older notation c.6825delC).
Protein change: p.Asp2275fs; shifts the reading frame from aspartic acid 2275.
Molecular consequence: frameshift variant.
Genome position (GRCh38, 1-based): chr2:178,774,439, G deleted on the plus strand (C on the coding strand, the reverse complement: TTN is on the minus strand). VCF-style (leftmost placement, unchanged base first): chr2-178774438-TG-T. GRCh37 (hg19) VCF-style: chr2-179639165-TG-T.
Other names: c.6825del, p.Asp2275fs (NM_001256850.1, NM_133378.4, NM_133379.5); c.6687del, p.Asp2229fs (NM_003319.4, NM_133432.3, NM_133437.4); short protein forms D2229fs, D2275fs.
Identifiers: ClinVar variation 1011266 (VCV001011266.12), dbSNP rs2091959062, ClinGen allele CA1310616817.

ClinVar aggregate classification (germline): Pathogenic (1 of 4 stars; one submission).

Conditions:
Dilated cardiomyopathy 1G (CMD1G). Identifiers: Orphanet 154, MedGen C1858763, MONDO:0011400, OMIM 604145.
Autosomal recessive limb-girdle muscular dystrophy type 2J (LGMDR10). Also called: Limb-girdle muscular dystrophy, type 2J; MUSCULAR DYSTROPHY, LIMB-GIRDLE, AUTOSOMAL RECESSIVE 10. Identifiers: Orphanet 140922, MedGen C1837342, MONDO:0012127, OMIM 608807.

Submission:

Labcorp Genetics (formerly Invitae), Labcorp
Classification: Pathogenic for Dilated cardiomyopathy 1G; Autosomal recessive limb-girdle muscular dystrophy type 2J. Last evaluated: 2025-08-03. Review status: criteria provided, single submitter. Criteria: Invitae Variant Classification Sherloc (09022015). Collection method: clinical testing. Allele origin: germline.
Comment: This sequence change creates a premature translational stop signal (p.Asp2275Glufs*2) in the TTN gene. While this is not anticipated to result in nonsense mediated decay, it is expected to create a truncated TTN protein. This variant is not present in population databases (gnomAD no frequency). This premature translational stop signal has been observed in individuals with autosomal dominant dilated cardiomyopathy (PMID: 31931689; internal data). ClinVar contains an entry for this variant (Variation ID: 1011266). This variant is located in the I band of TTN (PMID: 25589632). Truncating variants in this region have been reported in individuals affected with autosomal recessive centronuclear myopathy (PMID: 23975875, internal data). Truncating variants in this region have also been identified in individuals affected with autosomal dominant dilated cardiomyopathy and/or cardio-related conditions (PMID: 27869827, 32964742, internal data). For these reasons, this variant has been classified as Pathogenic.

Literature cited by the submitters: PubMed 31931689; PubMed 25589632; PubMed 23975875; PubMed 27869827; PubMed 32964742.